The following is an entry in ClinVar:

NM_024757.5(EHMT1):c.3544G>A (p.Gly1182Arg)

Gene: EHMT1 (euchromatic histone lysine methyltransferase 1; plus strand). Cytogenetic location: 9q34.3.
Variant type: single nucleotide variant.
Coding change: c.3544G>A on transcript NM_024757.5 (MANE Select); coding-DNA position 3544, G replaced by A.
Protein change: p.Gly1182Arg; replaces glycine 1182 with arginine.
Molecular consequence: missense variant.
Genome position (GRCh38, 1-based): chr9:137,834,352, G>A. VCF-style: chr9-137834352-G-A. GRCh37 (hg19) VCF-style: chr9-140728804-G-A.
Other names: c.3523G>A, p.Gly1175Arg (NM_001354263.2); short protein forms G1175R, G1182R.
Identifiers: ClinVar variation 1513275 (VCV001513275.6), dbSNP rs2133151801, ClinGen allele CA375781142.
Genomic context (GRCh38, chr9:137,834,352, plus strand): 5'-AGGCCGGCGTGTCGGGGCCTTGCTAACTGCAGCCCGTGCCGGCTTCTCGCCCTGCAGGAC[G>A]GGGAGGTTTACTGCATCGACGCGCGGTTCTACGGGAACGTCAGCCGGTTCATCAACCACC-3'
Protein context (NP_079033.4, residues 1172-1192): SYLFDLDNKD[Gly1182Arg]EVYCIDARFY

ClinVar aggregate classification (germline): Uncertain significance. Review status: criteria provided, multiple submitters, no conflicts (2 of 4 stars). 3 submissions from 3 submitters: Uncertain significance (3). Last evaluated 2023-01-05.

Conditions:
Inborn genetic diseases. Identifiers: MedGen C0950123, MeSH D030342.
Kleefstra syndrome 1 (KLEFS1). Identifiers: Orphanet 261494, MedGen C0795833, MONDO:0027407, OMIM 610253.

Allele frequency attached by ClinVar (database versions not stated): gnomAD exomes below 0.00001.
gnomAD v4.1: 3 of 1,612,960 alleles (0.00019%); highest among the groups gnomAD compares: Non-Finnish European, 0.00025%; no homozygotes.

Submissions (3):

GeneDx
Classification: Uncertain significance. Last evaluated: 2023-01-05. Review status: criteria provided, single submitter. Criteria: GeneDx Variant Classification Process June 2021. Collection method: clinical testing. Allele origin: germline. Affected: yes.
Comment: Not observed at significant frequency in large population cohorts (gnomAD); In silico analysis supports that this missense variant has a deleterious effect on protein structure/function; Has not been previously published as pathogenic or benign to our knowledge

Labcorp Genetics (formerly Invitae), Labcorp
Classification: Uncertain significance for Kleefstra syndrome 1. Last evaluated: 2021-08-28. Review status: criteria provided, single submitter. Criteria: Invitae Variant Classification Sherloc (09022015). Collection method: clinical testing. Allele origin: germline.

Ambry Genetics
Classification: Uncertain significance for Inborn genetic diseases. Last evaluated: 2018-02-14. Review status: criteria provided, single submitter. Criteria: Ambry Variant Classification Scheme 2023. Collection method: clinical testing. Allele origin: germline.
Comment: The p.G1182R variant (also known as c.3544G>A), located in coding exon 26 of the EHMT1 gene, results from a G to A substitution at nucleotide position 3544. The glycine at codon 1182 is replaced by arginine, an amino acid with dissimilar properties. This amino acid position is highly conserved in available vertebrate species. In addition, the in silico prediction for this alteration is inconclusive. Since supporting evidence is limited at this time, the clinical significance of this alteration remains unclear.